The following is an entry in ClinVar:

NM_002911.4(UPF1):c.19G>C (p.Gly7Arg)

Genes: UPF1 (UPF1 RNA helicase and ATPase; plus strand), LOC130064031 (ATAC-STARR-seq lymphoblastoid silent region 10419; plus strand). Cytogenetic location: 19p13.11.
Variant type: single nucleotide variant.
Coding change: c.19G>C on transcript NM_002911.4 (MANE Select); coding-DNA position 19, G replaced by C.
Protein change: p.Gly7Arg; replaces glycine 7 with arginine.
Molecular consequence: missense variant.
Genome position (GRCh38, 1-based): chr19:18,832,228, G>C. VCF-style: chr19-18832228-G-C. GRCh37 (hg19) VCF-style: chr19-18943037-G-C.
Other names: c.19G>C, p.Gly7Arg (NM_001297549.2); short protein forms G7R.
Identifiers: ClinVar variation 4975371 (VCV004975371.1).

ClinVar aggregate classification (germline): Uncertain significance (1 of 4 stars; one submission).

Submission:

GeneDx
Classification: Uncertain significance. Last evaluated: 2026-01-23. Review status: criteria provided, single submitter. Criteria: GeneDx Variant Classification Process June 2021. Collection method: clinical testing. Allele origin: germline.
Comment: Not observed at significant frequency in large population cohorts (gnomAD); In silico analysis supports that this missense variant has a deleterious effect on protein structure/function; Has not been previously published as pathogenic or benign to our knowledge